The following is an entry in ClinVar:

NM_000038.6(APC):c.5611G>T (p.Asp1871Tyr)

Gene: APC (APC regulator of Wnt signaling pathway; plus strand). Cytogenetic location: 5q22.2.
Variant type: single nucleotide variant.
Coding change: c.5611G>T on transcript NM_000038.6 (MANE Select); coding-DNA position 5611, G replaced by T.
Protein change: p.Asp1871Tyr; replaces aspartic acid 1871 with tyrosine.
Molecular consequence: missense variant.
Genome position (GRCh38, 1-based): chr5:112,841,205, G>T. VCF-style: chr5-112841205-G-T. GRCh37 (hg19) VCF-style: chr5-112176902-G-T.
Other names: c.5611G>T, p.Asp1871Tyr (NM_001127510.3, NM_001354895.2); c.5557G>T, p.Asp1853Tyr (NM_001127511.3); c.5665G>T, p.Asp1889Tyr (NM_001354896.2); c.5641G>T, p.Asp1881Tyr (NM_001354897.2); c.5536G>T, p.Asp1846Tyr (NM_001354898.2); c.5527G>T, p.Asp1843Tyr (NM_001354899.2); c.5488G>T, p.Asp1830Tyr (NM_001354900.2); c.5434G>T, p.Asp1812Tyr (NM_001354901.2); and 5 more; short protein forms D1853Y, D1871Y, D1711Y, D1745Y, D1846Y, D1780Y, D1830Y, D1843Y.
Identifiers: ClinVar variation 482374 (VCV000482374.25), dbSNP rs538571038, ClinGen allele CA042401.
Genomic context (GRCh38, chr5:112,841,205, plus strand): 5'-GGAACTCCTTACTGTTTTTCACGAAATGATTCTTTGAGTTCTCTAGATTTTGATGATGAT[G>T]ATGTTGACCTTTCCAGGGAAAAGGCTGAATTAAGAAAGGCAAAAGAAAATAAGGAATCAG-3'
Protein context (NP_000029.2, residues 1861-1881): SLSSLDFDDD[Asp1871Tyr]VDLSREKAEL

ClinVar aggregate classification (germline): Conflicting classifications of pathogenicity. Review status: criteria provided, conflicting classifications (1 of 4 stars). 5 submissions from 5 submitters: Uncertain significance (4); Likely benign (1). Last evaluated 2025-12-01.

Conditions:
Classic or attenuated familial adenomatous polyposis. Identifiers: MedGen CN372698, MONDO:0021057.
Hereditary cancer-predisposing syndrome. Also called: Neoplastic Syndromes, Hereditary; Tumor predisposition; Hereditary Cancer Syndrome; Hereditary neoplastic syndrome. Identifiers: Orphanet 140162, MedGen C0027672, MeSH D009386, MONDO:0015356.
Familial adenomatous polyposis 1 (FAP1). Also called: FAMILIAL ADENOMATOUS POLYPOSIS 1, ATTENUATED; POLYPOSIS, ADENOMATOUS INTESTINAL. Identifiers: MedGen C2713442, MONDO:0021056, OMIM 175100. Disease mechanism: loss of function.

Allele frequency attached by ClinVar (database versions not stated): TOPMed below 0.00001; gnomAD 0.00001; gnomAD exomes 0.00001; ExAC 0.00002; 1000 Genomes Project 30x 0.00016; 1000 Genomes Project 0.00020.
gnomAD v4.1: 11 of 1,613,926 alleles (0.00068%); highest among the groups gnomAD compares: South Asian, 0.011%; no homozygotes.

Submissions (5):

Labcorp Genetics (formerly Invitae), Labcorp
Classification: Uncertain significance for Familial adenomatous polyposis 1. Last evaluated: 2025-12-01. Review status: criteria provided, single submitter. Criteria: Invitae Variant Classification Sherloc (09022015). Collection method: clinical testing. Allele origin: germline.
Comment: This sequence change replaces aspartic acid, which is acidic and polar, with tyrosine, which is neutral and polar, at codon 1871 of the APC protein (p.Asp1871Tyr). This variant is present in population databases (rs538571038, gnomAD 0.01%). This variant has not been reported in the literature in individuals affected with APC-related conditions. ClinVar contains an entry for this variant (Variation ID: 482374). Invitae Evidence Modeling of protein sequence and biophysical properties (such as structural, functional, and spatial information, amino acid conservation, physicochemical variation, residue mobility, and thermodynamic stability) indicates that this missense variant is not expected to disrupt APC protein function with a negative predictive value of 95%. In summary, the available evidence is currently insufficient to determine the role of this variant in disease. Therefore, it has been classified as a Variant of Uncertain Significance.

All of Us Research Program, National Institutes of Health
Classification: Uncertain significance for Classic or attenuated familial adenomatous polyposis. Last evaluated: 2024-09-23. Review status: criteria provided, single submitter. Criteria: ACMG Guidelines, 2015. Collection method: clinical testing. Allele origin: germline. Inheritance: Autosomal dominant inheritance. Observed: 5 variant alleles, 5 heterozygotes.
Comment: This missense variant replaces aspartic acid with tyrosine at codon 1871 of the APC protein. Computational prediction is inconclusive regarding the impact of this variant on protein structure and function (internally defined REVEL score threshold 0.5 < inconclusive < 0.7, PMID: 27666373). To our knowledge, functional studies have not been reported for this variant. This variant has not been reported in individuals affected with APC-related disorders in the literature. This variant has been identified in 3/250918 chromosomes in the general population by the Genome Aggregation Database (gnomAD). The available evidence is insufficient to determine the role of this variant in disease conclusively. Therefore, this variant is classified as a Variant of Uncertain Significance.

This study involves interpretation of variants in research participants for the purpose of population health screening. Participant phenotype was not available at the time of variant classification. Additional details can be found in publication PMID: 35346344, PMCID: PMC8962531

Color Diagnostics, LLC DBA Color Health
Classification: Uncertain significance for Hereditary cancer-predisposing syndrome. Last evaluated: 2024-03-06. Review status: criteria provided, single submitter. Criteria: ACMG Guidelines, 2015. Collection method: clinical testing. Allele origin: germline.
Comment: This missense variant replaces aspartic acid with tyrosine at codon 1871 of the APC protein. Computational prediction is inconclusive regarding the impact of this variant on protein structure and function (internally defined REVEL score threshold 0.5 < inconclusive < 0.7, PMID: 27666373). To our knowledge, functional studies have not been reported for this variant. This variant has not been reported in individuals affected with APC-related disorders in the literature. This variant has been identified in 3/250918 chromosomes in the general population by the Genome Aggregation Database (gnomAD). The available evidence is insufficient to determine the role of this variant in disease conclusively. Therefore, this variant is classified as a Variant of Uncertain Significance.

Neuberg Centre For Genomic Medicine, NCGM
Classification: Uncertain significance for Familial adenomatous polyposis 1. Last evaluated: 2023-02-14. Review status: criteria provided, single submitter. Criteria: ACMG Guidelines, 2015. Collection method: clinical testing. Allele origin: germline. Inheritance: Autosomal dominant inheritance. Affected: yes.
Comment: The missense c.5611G>T (p.Asp1871Tyr) variant in APC gene has not been reported previously as a pathogenic variant nor as a benign variant, to our knowledge. The p.Asp1871Tyr variant has allele frequency 0.001% in gnomAD Exomes and is novel (not in any individuals) in 1000 Genomes. This variant has been reported to the ClinVar database as Likely benign / Uncertain Significance. The amino acid change p.Asp1871Tyr in APC is predicted as conserved by GERP++ and PhyloP across 100 vertebrates. The amino acid Asp at position 1871 is changed to a Tyr changing protein sequence and it might alter its composition and physico-chemical properties. For these reasons, this variant has been classified as Variant of Uncertain Significance (VUS).

Ambry Genetics
Classification: Likely benign for Hereditary cancer-predisposing syndrome. Last evaluated: 2021-03-23. Review status: criteria provided, single submitter. Criteria: Ambry Variant Classification Scheme 2023. Collection method: clinical testing. Allele origin: germline.